The following is an entry in ClinVar:

NM_194248.3(OTOF):c.4493T>A (p.Val1498Glu)

Gene: OTOF (otoferlin; minus strand). Cytogenetic location: 2p23.3.
Variant type: single nucleotide variant.
Coding change: c.4493T>A on transcript NM_194248.3 (MANE Select); coding-DNA position 4493, T replaced by A.
Protein change: p.Val1498Glu; replaces valine 1498 with glutamic acid.
Molecular consequence: missense variant.
Genome position (GRCh38, 1-based): chr2:26,466,721, A>T on the plus strand (T>A on the coding strand, the complement: OTOF is on the minus strand). VCF-style: chr2-26466721-A-T. GRCh37 (hg19) VCF-style: chr2-26689589-A-T.
Other names: c.4493T>A, p.Val1498Glu (NM_001287489.2); c.2192T>A, p.Val731Glu (NM_004802.4, NM_194323.3); c.2423T>A, p.Val808Glu (NM_194322.3); short protein forms V1498E, V731E, V808E.
Identifiers: ClinVar variation 1703040 (VCV001703040.2), dbSNP rs752201516, ClinGen allele CA346136207.

ClinVar aggregate classification (germline): Likely pathogenic. Review status: no assertion criteria provided (0 of 4 stars). 2 submissions from 2 submitters: Likely pathogenic (2). Last evaluated 2026-02-04.

Conditions:
Autosomal recessive nonsyndromic hearing loss 9. Also called: Deafness, autosomal recessive 9; NEUROSENSORY NONSYNDROMIC RECESSIVE DEAFNESS 9; OTOF-Related Hearing Loss; AUDITORY NEUROPATHY, AUTOSOMAL RECESSIVE, 1, TEMPERATURE-SENSITIVE. Identifiers: Orphanet 90636, MedGen C1832828, MONDO:0010986, OMIM 601071.

Submissions (2):

Diagnosis and Treatment Center of Genetic Hearing Loss, Eye & ENT Hospital of Fudan University
Classification: Likely pathogenic for Autosomal recessive nonsyndromic hearing loss 9. Last evaluated: 2026-02-04. Review status: no assertion criteria provided. Collection method: clinical testing. Allele origin: germline. Inheritance: Autosomal recessive inheritance. Affected: yes.
Comment: The c.4493T>A missense variant in OTOF is absent from population databases (PM2_Supporting). It was reported in one patient in trans with a likely pathogenic variant (c.[4493T>A];[5782C>T]) (PM3; PMID: 26818607) and segregates in two affected siblings (PP1). The REVEL score is 0.956 (PP3_Strong). The phenotype is consistent with auditory neuropathy (PP4).

Deafness Molecular Diagnostic Center, Chinese PLA General Hospital
Classification: Likely pathogenic for Autosomal recessive nonsyndromic hearing loss 9. Review status: no assertion criteria provided. Collection method: clinical testing. Allele origin: inherited. Affected: yes.

Literature cited by the submitters: PubMed 26818607 (cited by Diagnosis and Treatment Center of Genetic Hearing Loss, Eye & ENT Hospital of Fudan University).